The following is an entry in ClinVar:

ClinVar aggregate classification (germline): Likely pathogenic. Review status: reviewed by expert panel (3 of 4 stars). 3 submissions from 3 submitters: Likely pathogenic (1). 2 of the submissions do not count toward it. Last evaluated 2026-05-05.

Conditions:
ABCA4-related retinopathy. Also called: ABCA4 retinoapthy; ABCA4-related retinoapthy. Identifiers: MedGen CN322612, MONDO:0800406.

Submissions (3):

ClinGen ABCA4 Variant Curation Expert Panel, Clingen
Classification: Likely pathogenic for ABCA4-related retinopathy. Last evaluated: 2026-05-05. Review status: reviewed by expert panel. Criteria: ClinGen ABCA4 ACMG Specifications V1.0.0. Collection method: curation. Allele origin: germline. Inheritance: Autosomal recessive inheritance.
Comment: The NM_000350.3(ABCA4):c.6091G>A variant in ABCA4 is a missense variant predicted to cause substitution of glutamic acid by lysine at amino acid 2031 (p.Glu2031Lys). This variant is absent from gnomAD v4.1.0 meeting PM2_Supporting. The computational predictor REVEL gives a score of 0.947 which is above the threshold of >0.772 meeting PP3_Moderate. This variant has been detected in at least 4 individuals with ABCA4-related retinopathy. These individuals were compound heterozygous for the variant and a known pathogenic variant, which was not confirmed in trans (PM3_Strong; PMID: 38309476, Clinical Diagnostic Lab). In summary, this variant meets the criteria to be classified as likely pathogenic for ABCA4-related retinopathy based on the ACMG/AMP criteria applied, as specified by the ClinGen ABCA4 VCEP specification version 1.0.0: PM3_Strong, PM2_Supporting, PP3_Moderate.

Labcorp Genetics (formerly Invitae), Labcorp
Classification: Uncertain significance. Last evaluated: 2023-04-04. Review status: criteria provided, single submitter. Criteria: Invitae Variant Classification Sherloc (09022015). Collection method: clinical testing. Allele origin: germline. Not counted in ClinVar's aggregate classification.
Comment: In summary, the available evidence is currently insufficient to determine the role of this variant in disease. Therefore, it has been classified as a Variant of Uncertain Significance. Advanced modeling of protein sequence and biophysical properties (such as structural, functional, and spatial information, amino acid conservation, physicochemical variation, residue mobility, and thermodynamic stability) performed at Invitae indicates that this missense variant is expected to disrupt ABCA4 protein function. ClinVar contains an entry for this variant (Variation ID: 866538). This variant has not been reported in the literature in individuals affected with ABCA4-related conditions. This variant is not present in population databases (gnomAD no frequency). This sequence change replaces glutamic acid, which is acidic and polar, with lysine, which is basic and polar, at codon 2031 of the ABCA4 protein (p.Glu2031Lys).

Blueprint Genetics
Classification: Uncertain significance. Last evaluated: 2022-05-11. Review status: criteria provided, single submitter. Criteria: ACMG Guidelines, 2015. Collection method: clinical testing. Allele origin: germline. Not counted in ClinVar's aggregate classification.

NM_000350.3(ABCA4):c.6091G>A (p.Glu2031Lys)

Gene: ABCA4 (ATP binding cassette subfamily A member 4; minus strand). Cytogenetic location: 1p22.1.
Variant type: single nucleotide variant.
Coding change: c.6091G>A on transcript NM_000350.3 (MANE Select); coding-DNA position 6091, G replaced by A.
Protein change: p.Glu2031Lys; replaces glutamic acid 2031 with lysine.
Molecular consequence: missense variant.
Genome position (GRCh38, 1-based): chr1:94,005,497, C>T on the plus strand (G>A on the coding strand, the complement: ABCA4 is on the minus strand). VCF-style: chr1-94005497-C-T. GRCh37 (hg19) VCF-style: chr1-94471053-C-T.
Other names: NM_000350.3(ABCA4):c.6091G>A; p.Glu2031Lys; c.5869G>A, p.Glu1957Lys (NM_001425324.1); short protein forms E2031K, E1957K.
Identifiers: ClinVar variation 866538 (VCV000866538.8), dbSNP rs1659353934, ClinGen allele CA341279017.